The following is an entry in ClinVar:

ClinVar aggregate classification (germline): Uncertain significance (1 of 4 stars; one submission).

Conditions:
Familial adenomatous polyposis 1 (FAP1). Also called: FAMILIAL ADENOMATOUS POLYPOSIS 1, ATTENUATED; POLYPOSIS, ADENOMATOUS INTESTINAL. Identifiers: MedGen C2713442, MONDO:0021056, OMIM 175100. Disease mechanism: loss of function.

Submission:

Labcorp Genetics (formerly Invitae), Labcorp
Classification: Uncertain significance for Familial adenomatous polyposis 1. Last evaluated: 2025-08-01. Review status: criteria provided, single submitter. Criteria: Invitae Variant Classification Sherloc (09022015). Collection method: clinical testing. Allele origin: germline.
Comment: This variant occurs in a non-coding region of the APC gene. It does not change the encoded amino acid sequence of the APC protein. This variant is not present in population databases (gnomAD no frequency). This variant has not been reported in the literature in individuals affected with APC-related conditions. Experimental studies and prediction algorithms are not available or were not evaluated, and the functional significance of this variant is currently unknown. In summary, the available evidence is currently insufficient to determine the role of this variant in disease. Therefore, it has been classified as a Variant of Uncertain Significance.

NC_000005.10:g.112707415C>G

Gene: APC (APC regulator of Wnt signaling pathway; plus strand). Cytogenetic location: 5q22.2.
Variant type: single nucleotide variant.
Genome position: GRCh38 VCF-style: chr5-112707415-C-G. GRCh37 (hg19) VCF-style: chr5-112043112-C-G.
Identifiers: ClinVar variation 1036983 (VCV001036983.8), dbSNP rs1580995550, ClinGen allele CA1573442274.